The following is an entry in ClinVar:

NM_001330700.2(TOP2B):c.1669A>T (p.Ile557Phe)

Gene: TOP2B (DNA topoisomerase II beta; minus strand). Cytogenetic location: 3p24.2.
Variant type: single nucleotide variant.
Coding change: c.1669A>T on transcript NM_001330700.2 (MANE Select); coding-DNA position 1669, A replaced by T.
Protein change: p.Ile557Phe; replaces isoleucine 557 with phenylalanine.
Molecular consequence: missense variant.
Genome position (GRCh38, 1-based): chr3:25,630,049, T>A on the plus strand (A>T on the coding strand, the complement: TOP2B is on the minus strand). VCF-style: chr3-25630049-T-A. GRCh37 (hg19) VCF-style: chr3-25671540-T-A.
Other names: c.1654A>T, p.Ile552Phe (NM_001068.3); short protein forms I552F, I557F.
Identifiers: ClinVar variation 2501918 (VCV002501918.1), dbSNP rs2470352742, ClinGen allele CA351908360.

ClinVar aggregate classification (germline): Uncertain significance (1 of 4 stars; one submission).

Submission:

GeneDx
Classification: Uncertain significance. Last evaluated: 2022-11-13. Review status: criteria provided, single submitter. Criteria: GeneDx Variant Classification Process June 2021. Collection method: clinical testing. Allele origin: germline. Affected: yes.
Comment: Not observed at significant frequency in large population cohorts (gnomAD); In silico analysis supports that this missense variant has a deleterious effect on protein structure/function; Has not been previously published as pathogenic or benign to our knowledge